The following is an entry in ClinVar:

ClinVar aggregate classification (germline): Uncertain significance (1 of 4 stars; one submission).

Submission:

Ambry Genetics
Classification: Uncertain significance. Last evaluated: 2026-05-13. Review status: criteria provided, single submitter. Criteria: Ambry Variant Classification Scheme 2023. Collection method: clinical testing. Allele origin: germline.
Comment: The p.R1246G variant (also known as c.3736C>G), located in coding exon 34 of the KIF1B gene, results from a C to G substitution at nucleotide position 3736. The arginine at codon 1246 is replaced by glycine, an amino acid with dissimilar properties. This amino acid position is highly conserved in available vertebrate species. In addition, this alteration is predicted to be deleterious by in silico analysis. The evidence for this gene-disease relationship is limited; therefore, the clinical significance of this variant is unclear.

NM_001365951.3(KIF1B):c.3874C>G (p.Arg1292Gly)

Gene: KIF1B (kinesin family member 1B; plus strand). Cytogenetic location: 1p36.22.
Variant type: single nucleotide variant.
Coding change: c.3874C>G on transcript NM_001365951.3 (MANE Select); coding-DNA position 3874, C replaced by G.
Protein change: p.Arg1292Gly; replaces arginine 1292 with glycine.
Molecular consequence: missense variant.
Genome position (GRCh38, 1-based): chr1:10,348,658, C>G. VCF-style: chr1-10348658-C-G. GRCh37 (hg19) VCF-style: chr1-10408716-C-G.
Other names: c.3874C>G, p.Arg1292Gly (NM_001365952.1); c.3736C>G, p.Arg1246Gly (NM_015074.3); short protein forms R1246G, R1292G.
Identifiers: ClinVar variation 4858857 (VCV004858857.1).
Genomic context (GRCh38, chr1:10,348,658, plus strand): 5'-AGGAGATAATAGATTGCTTCAGCTAAATTGCAACCCTGCTTCATTACCTAGGGCATCCAG[C>G]GAAGGATCACAGTGACCATTATCCATGAGAAGGGGAGCGAGCTCCATTGGAAAGATGTTC-3'
Protein context (NP_001352880.1, residues 1282-1302): GTFLLHQGIQ[Arg1292Gly]RITVTIIHEK